The following is an entry in ClinVar:

ClinVar aggregate classification (germline): Uncertain significance. Review status: criteria provided, multiple submitters, no conflicts (2 of 4 stars). 2 submissions from 2 submitters: Uncertain significance (2). Last evaluated 2025-01-26.

Conditions:
Inborn genetic diseases. Identifiers: MedGen C0950123, MeSH D030342.
Spastic paraplegia. Identifiers: MedGen C0037772, HP:0001258.

Allele frequency attached by ClinVar (database versions not stated): ExAC 0.00003; gnomAD exomes 0.00003; TOPMed 0.00006.
gnomAD v4.1: 120 of 1,613,626 alleles (0.0074%); highest among the groups gnomAD compares: Non-Finnish European, 0.0095%; no homozygotes.

Submissions (2):

Ambry Genetics
Classification: Uncertain significance for Inborn genetic diseases. Last evaluated: 2025-01-26. Review status: criteria provided, single submitter. Criteria: Ambry Variant Classification Scheme 2023. Collection method: clinical testing. Allele origin: germline.

Labcorp Genetics (formerly Invitae), Labcorp
Classification: Uncertain significance for Spastic paraplegia. Last evaluated: 2020-01-23. Review status: criteria provided, single submitter. Criteria: Invitae Variant Classification Sherloc (09022015). Collection method: clinical testing. Allele origin: germline.
Comment: This sequence change replaces proline with threonine at codon 313 of the RTN2 protein (p.Pro313Thr). The proline residue is weakly conserved and there is a small physicochemical difference between proline and threonine. This variant is present in population databases (rs751265544, ExAC 0.006%). This variant has not been reported in the literature in individuals with RTN2-related conditions. Algorithms developed to predict the effect of missense changes on protein structure and function are either unavailable or do not agree on the potential impact of this missense change (SIFT: "Deleterious"; PolyPhen-2: "Benign"; Align-GVGD: "Class C0"). In summary, the available evidence is currently insufficient to determine the role of this variant in disease. Therefore, it has been classified as a Variant of Uncertain Significance.

NM_005619.5(RTN2):c.937C>A (p.Pro313Thr)

Genes: OPA3-RTN2 (OPA3-RTN2 readthrough; minus strand), RTN2 (reticulon 2; minus strand). Cytogenetic location: 19q13.32.
Variant type: single nucleotide variant.
Coding change: c.937C>A on transcript NM_005619.5 (MANE Select); coding-DNA position 937, C replaced by A.
Protein change: p.Pro313Thr; replaces proline 313 with threonine.
Molecular consequence: missense variant. On other transcripts: intron variant (1).
Genome position (GRCh38, 1-based): chr19:45,493,256, G>T on the plus strand (C>A on the coding strand, the complement: RTN2 is on the minus strand). VCF-style: chr19-45493256-G-T. GRCh37 (hg19) VCF-style: chr19-45996514-G-T.
Other names: c.937C>A (NM_005619.3); c.814+910C>A (NM_206900.3); short protein forms P313T.
Identifiers: ClinVar variation 843297 (VCV000843297.10), dbSNP rs751265544, ClinGen allele CA9516127.